The following is an entry in ClinVar:

ClinVar aggregate classification (germline): Pathogenic (0 of 4 stars; one submission).

Conditions:
Hereditary cancer-predisposing syndrome. Also called: Hereditary neoplastic syndrome; Neoplastic Syndromes, Hereditary; Tumor predisposition; Hereditary Cancer Syndrome. Identifiers: Orphanet 140162, MedGen C0027672, MeSH D009386, MONDO:0015356.

Submission:

Hauer Lab, Department Of Pediatric Oncology, Technical University Munich
Classification: Pathogenic for Hereditary cancer-predisposing syndrome. Review status: no assertion criteria provided. Collection method: clinical testing. Allele origin: unknown. Affected: yes. Observed: 1 heterozygote.
Comment: In-vitro functional studies indicate a loss-of-function phenotype, leading to telomeric elongation (Michler 2021).

Literature cited by the submitters: DOI 10.3390/ijms222111572.

NM_015450.3(POT1):c.595C>T (p.Gln199Ter)

Gene: POT1 (protection of telomeres 1; minus strand). Cytogenetic location: 7q31.33.
Variant type: single nucleotide variant.
Coding change: c.595C>T on transcript NM_015450.3 (MANE Select); coding-DNA position 595, C replaced by T.
Protein change: p.Gln199Ter; replaces glutamine 199 with a stop codon.
Molecular consequence: nonsense. On other transcripts: non-coding transcript variant (3).
Genome position (GRCh38, 1-based): chr7:124,859,064, G>A on the plus strand (C>T on the coding strand, the complement: POT1 is on the minus strand). VCF-style: chr7-124859064-G-A. GRCh37 (hg19) VCF-style: chr7-124499118-G-A.
Other names: c.202C>T, p.Gln68Ter (NM_001042594.2); short protein forms Q199*, Q68*.
Identifiers: ClinVar variation 1315512 (VCV001315512.3), dbSNP rs2116526253, ClinGen allele CA369056642.
Genomic context (GRCh38, chr7:124,859,064, plus strand): 5'-CTATTGTCAGATTTTGTAGCCGATGGATGTGACTTAAATCACCTTCAAGAACAAGGTCTT[G>A]TATTAAGACTCTCCAAGATGGAAATGGTGTCCTGGTGCCATCCCATACCTGCCATAAGAG-3'